The following is an entry in ClinVar:

NM_001127255.2(NLRP7):c.1460G>A (p.Gly487Glu)

Gene: NLRP7 (NLR family pyrin domain containing 7; minus strand). Cytogenetic location: 19q13.42.
Variant type: single nucleotide variant.
Coding change: c.1460G>A on transcript NM_001127255.2 (MANE Select); coding-DNA position 1460, G replaced by A.
Protein change: p.Gly487Glu; replaces glycine 487 with glutamic acid.
Molecular consequence: missense variant.
Genome position (GRCh38, 1-based): chr19:54,939,359, C>T on the plus strand (G>A on the coding strand, the complement: NLRP7 is on the minus strand). VCF-style: chr19-54939359-C-T. GRCh37 (hg19) VCF-style: chr19-55450727-C-T.
Other names: c.1460G>A, p.Gly487Glu (NM_001405531.1, NM_139176.4, NM_206828.4); short protein forms G487E.
Identifiers: ClinVar variation 290507 (VCV000290507.14), dbSNP rs775881, ClinGen allele CA310017855.

ClinVar aggregate classification (germline): Benign. Review status: criteria provided, multiple submitters, no conflicts (2 of 4 stars). 4 submissions from 4 submitters: Benign (3). 1 of the submissions does not count toward it. Last evaluated 2018-01-12.

Conditions:
Hydatidiform mole, recurrent, 1 (HYDM1). Identifiers: Orphanet 254688, Orphanet 99927, MedGen C3463897, MONDO:0009273, OMIM 231090. Disease mechanism: loss of function.
NLRP7-related disorder. Also called: NLRP7-related condition.

Allele frequency attached by ClinVar (database versions not stated): gnomAD exomes 0.03858 and 0.05313; ExAC 0.05864; 1000 Genomes Project 30x 0.13351; 1000 Genomes Project 0.12560; gnomAD 0.12940 and 0.13795; ESP Exome Variant Server 0.14178; TOPMed 0.14302.

Submissions (4):

Illumina Laboratory Services, Illumina
Classification: Benign for Hydatidiform mole, recurrent, 1. Last evaluated: 2018-01-12. Review status: criteria provided, single submitter. Criteria: ICSL Variant Classification Criteria 13 December 2019. Collection method: clinical testing. Allele origin: germline.
Comment: This variant was observed in the ICSL laboratory as part of a predisposition screen in an ostensibly healthy population. It had not been previously curated by ICSL or reported in the Human Gene Mutation Database (HGMD: prior to June 1st, 2018), and was therefore a candidate for classification through an automated scoring system. Utilizing variant allele frequency, disease prevalence and penetrance estimates, and inheritance mode, an automated score was calculated to assess if this variant is too frequent to cause the disease. Based on the score and internal cut-off values, a variant classified as benign is not then subjected to further curation. The score for this variant resulted in a classification of benign for this disease.

Eurofins Ntd Llc (ga)
Classification: Benign. Last evaluated: 2016-08-29. Review status: criteria provided, single submitter. Criteria: EGL Classification Definitions 2015. Collection method: clinical testing. Allele origin: germline. Observed: 1 variant allele, 1 heterozygote.

Breakthrough Genomics
Classification: Benign. Review status: criteria provided, single submitter. Criteria: ACMG Guidelines, 2015. Collection method: not provided. Allele origin: germline. Inheritance: Autosomal recessive inheritance. Affected: yes.

PreventionGenetics, part of Exact Sciences
Classification: Benign for NLRP7-related condition. Last evaluated: 2019-02-22. Review status: no assertion criteria provided. Collection method: clinical testing. Allele origin: germline. Not counted in ClinVar's aggregate classification.
Comment: This variant is classified as benign based on ACMG/AMP sequence variant interpretation guidelines (Richards et al. 2015 PMID: 25741868, with internal and published modifications).